The following is an entry in ClinVar:

ClinVar aggregate classification (germline): Uncertain significance. Review status: criteria provided, multiple submitters, no conflicts (2 of 4 stars). 2 submissions from 2 submitters: Uncertain significance (2). Last evaluated 2025-08-11.

Conditions:
Inborn genetic diseases. Identifiers: MedGen C0950123, MeSH D030342.

Allele frequency attached by ClinVar (database versions not stated): gnomAD 0.00001; TOPMed 0.00002; ESP Exome Variant Server 0.00008.
gnomAD v4.1: 3 of 1,614,002 alleles (0.00019%); highest among the groups gnomAD compares: African/African-American, 0.0027%; no homozygotes.

Submissions (2):

Ambry Genetics
Classification: Uncertain significance for Inborn genetic diseases. Last evaluated: 2025-08-11. Review status: criteria provided, single submitter. Criteria: Ambry Variant Classification Scheme 2023. Collection method: clinical testing. Allele origin: germline.

Labcorp Genetics (formerly Invitae), Labcorp
Classification: Uncertain significance. Last evaluated: 2024-09-11. Review status: criteria provided, single submitter. Criteria: Invitae Variant Classification Sherloc (09022015). Collection method: clinical testing. Allele origin: germline.
Comment: This sequence change replaces alanine, which is neutral and non-polar, with valine, which is neutral and non-polar, at codon 152 of the EMC1 protein (p.Ala152Val). This variant is present in population databases (rs147106433, gnomAD no frequency). This variant has not been reported in the literature in individuals affected with EMC1-related conditions. ClinVar contains an entry for this variant (Variation ID: 1518251). Invitae Evidence Modeling of protein sequence and biophysical properties (such as structural, functional, and spatial information, amino acid conservation, physicochemical variation, residue mobility, and thermodynamic stability) indicates that this missense variant is not expected to disrupt EMC1 protein function with a negative predictive value of 80%. In summary, the available evidence is currently insufficient to determine the role of this variant in disease. Therefore, it has been classified as a Variant of Uncertain Significance.

NM_015047.3(EMC1):c.455C>T (p.Ala152Val)

Gene: EMC1 (ER membrane protein complex subunit 1; minus strand). Cytogenetic location: 1p36.13.
Variant type: single nucleotide variant.
Coding change: c.455C>T on transcript NM_015047.3 (MANE Select); coding-DNA position 455, C replaced by T.
Protein change: p.Ala152Val; replaces alanine 152 with valine.
Molecular consequence: missense variant.
Genome position (GRCh38, 1-based): chr1:19,242,399, G>A on the plus strand (C>T on the coding strand, the complement: EMC1 is on the minus strand). VCF-style: chr1-19242399-G-A. GRCh37 (hg19) VCF-style: chr1-19568893-G-A.
Other names: c.455C>T (NM_015047.1); c.455C>T, p.Ala152Val (NM_001271427.2, NM_001271428.2, NM_001375820.1 and 1 more transcripts); c.389C>T, p.Ala130Val (NM_001271429.2); short protein forms A152V, A130V.
Identifiers: ClinVar variation 1518251 (VCV001518251.9), dbSNP rs147106433, ClinGen allele CA652908.
Genomic context (GRCh38, chr1:19,242,399, plus strand): 5'-CCTTACCTTTCTGGGAGATGTTCCACCCACTTGAGGTGCCCACTGGAGAGGTGATGGAGG[G>A]CAAGTGTAGTCTTCTTCAGGACTGCGATGTACCTTACAGACTCCTGCAGGCCAACCAGCC-3'
Protein context (NP_055862.1, residues 142-162): YIAVLKKTTL[Ala152Val]LHHLSSGHLK